The following is an entry in ClinVar:

NM_182493.3(MYLK3):c.421C>T (p.Leu141Phe)

Gene: MYLK3 (myosin light chain kinase 3; minus strand). Cytogenetic location: 16q11.2.
Variant type: single nucleotide variant.
Coding change: c.421C>T on transcript NM_182493.3 (MANE Select); coding-DNA position 421, C replaced by T.
Protein change: p.Leu141Phe; replaces leucine 141 with phenylalanine.
Molecular consequence: missense variant. On other transcripts: intron variant (1).
Genome position (GRCh38, 1-based): chr16:46,747,773, G>A on the plus strand (C>T on the coding strand, the complement: MYLK3 is on the minus strand). VCF-style: chr16-46747773-G-A. GRCh37 (hg19) VCF-style: chr16-46781685-G-A.
Other names: c.-113-7626C>T (NM_001308301.1); short protein forms L141F.
Identifiers: ClinVar variation 1909131 (VCV001909131.5), dbSNP rs1369361207, ClinGen allele CA395796840.

ClinVar aggregate classification (germline): Uncertain significance (1 of 4 stars; one submission).

Allele frequency attached by ClinVar (database versions not stated): gnomAD 0.00001; gnomAD exomes 0.00001; TOPMed 0.00001.

Submission:

Labcorp Genetics (formerly Invitae), Labcorp
Classification: Uncertain significance. Last evaluated: 2025-07-23. Review status: criteria provided, single submitter. Criteria: Invitae Variant Classification Sherloc (09022015). Collection method: clinical testing. Allele origin: germline.
Comment: This sequence change replaces leucine, which is neutral and non-polar, with phenylalanine, which is neutral and non-polar, at codon 141 of the MYLK3 protein (p.Leu141Phe). This variant is not present in population databases (gnomAD no frequency). This variant has not been reported in the literature in individuals affected with MYLK3-related conditions. ClinVar contains an entry for this variant (Variation ID: 1909131). An algorithm developed to predict the effect of missense changes on protein structure and function (PolyPhen-2) suggests that this variant is likely to be tolerated. In summary, the available evidence is currently insufficient to determine the role of this variant in disease. Therefore, it has been classified as a Variant of Uncertain Significance.